The following is an entry in ClinVar:

NM_144997.7(FLCN):c.1495G>A (p.Val499Met)

Gene: FLCN (folliculin; minus strand). Cytogenetic location: 17p11.2.
Variant type: single nucleotide variant.
Coding change: c.1495G>A on transcript NM_144997.7 (MANE Select); coding-DNA position 1495, G replaced by A.
Protein change: p.Val499Met; replaces valine 499 with methionine.
Molecular consequence: missense variant.
Genome position (GRCh38, 1-based): chr17:17,215,028, C>T on the plus strand (G>A on the coding strand, the complement: FLCN is on the minus strand). VCF-style: chr17-17215028-C-T. GRCh37 (hg19) VCF-style: chr17-17118342-C-T.
Other names: c.1549G>A, p.Val517Met (NM_001353229.2); c.1495G>A, p.Val499Met (NM_001353230.2, NM_001353231.2); short protein forms V499M, V517M.
Identifiers: ClinVar variation 858663 (VCV000858663.7), dbSNP rs2046868336, ClinGen allele CA398530837.
Genomic context (GRCh38, chr17:17,215,028, plus strand): 5'-CCCACACTGTTGCTTACTTCATCCACTCCTCCTTGAGGCAGACGAGGCACTGGTCCACCA[C>T]ATCCACAGACAGGTTCTGGTTGGTCAGAGCCGCTTCAATCTTATTCAGGATGGTGGGGCC-3'
Protein context (NP_659434.2, residues 489-509): ALTNQNLSVD[Val499Met]VDQCLVCLKE

ClinVar aggregate classification (germline): Uncertain significance (1 of 4 stars; one submission).

Conditions:
Birt-Hogg-Dube syndrome. Also called: Birt Hogg Dubé syndrome. Identifiers: Orphanet 122, MedGen C0346010, MONDO:0800444.

Allele frequency attached by ClinVar (database versions not stated): gnomAD exomes below 0.00001.
gnomAD v4.1: 1 of 1,614,230 alleles (0.000062%); highest among the groups gnomAD compares: Non-Finnish European, 0.000085%; no homozygotes.

Submission:

Labcorp Genetics (formerly Invitae), Labcorp
Classification: Uncertain significance for Birt-Hogg-Dube syndrome. Last evaluated: 2019-01-25. Review status: criteria provided, single submitter. Criteria: Invitae Variant Classification Sherloc (09022015). Collection method: clinical testing. Allele origin: germline.
Comment: This sequence change replaces valine with methionine at codon 499 of the FLCN protein (p.Val499Met). The valine residue is highly conserved and there is a small physicochemical difference between valine and methionine. This variant is not present in population databases (ExAC no frequency). This variant has not been reported in the literature in individuals with FLCN-related conditions. Algorithms developed to predict the effect of missense changes on protein structure and function are either unavailable or do not agree on the potential impact of this missense change (SIFT: "Deleterious"; PolyPhen-2: "Possibly Damaging"; Align-GVGD: "Class C0"). In summary, the available evidence is currently insufficient to determine the role of this variant in disease. Therefore, it has been classified as a Variant of Uncertain Significance.